The following is an entry in ClinVar:

ClinVar aggregate classification (germline): Pathogenic/Likely pathogenic. Review status: criteria provided, multiple submitters, no conflicts (2 of 4 stars). 7 submissions from 7 submitters: Pathogenic (2); Likely pathogenic (2). 3 of the submissions do not count toward it. Last evaluated 2024-02-19.

Conditions:
Congenital adrenal hyperplasia. Identifiers: Orphanet 418, MedGen C0001627, MONDO:0018479, HP:0008258.
CYP11B1-related disorder. Also called: CYP11B1-related condition.
Deficiency of steroid 11-beta-monooxygenase (CYP11B1). Also called: P450C11B1 DEFICIENCY; STEROID 11-BETA-HYDROXYLASE DEFICIENCY; ADRENAL HYPERPLASIA IV; ADRENAL HYPERPLASIA, CONGENITAL, DUE TO STEROID 11-BETA-HYDROXYLASE DEFICIENCY; 11-BETA-HYDROXYLASE DEFICIENCY; Congenital adrenal hyperplasia due to 11-beta-hydroxylase deficiency. Identifiers: Orphanet 90795, MedGen C0268292, MONDO:0008729, OMIM 202010. Disease mechanism: loss of function.

gnomAD v4.1: 5 of 1,614,062 alleles (0.00031%); highest among the groups gnomAD compares: African/African-American, 0.0013%; no homozygotes.

Submissions (7):

Labcorp Genetics (formerly Invitae), Labcorp
Classification: Pathogenic. Last evaluated: 2024-02-19. Review status: criteria provided, single submitter. Criteria: Invitae Variant Classification Sherloc (09022015). Collection method: clinical testing. Allele origin: germline.
Comment: This sequence change affects codon 318 of the CYP11B1 mRNA. It is a 'silent' change, meaning that it does not change the encoded amino acid sequence of the CYP11B1 protein. This variant also falls at the last nucleotide of exon 5, which is part of the consensus splice site for this exon. This variant is not present in population databases (gnomAD no frequency). This variant has been observed in individuals with adrenal hyperplasia (PMID: 26956189, 29858860, 31006099). ClinVar contains an entry for this variant (Variation ID: 447228). Variants that disrupt the consensus splice site are a relatively common cause of aberrant splicing (PMID: 17576681, 9536098). Algorithms developed to predict the effect of sequence changes on RNA splicing suggest that this variant may disrupt the consensus splice site. For these reasons, this variant has been classified as Pathogenic.

Women's Health and Genetics/Laboratory Corporation of America, LabCorp
Classification: Pathogenic for Congenital adrenal hyperplasia. Last evaluated: 2023-09-18. Review status: criteria provided, single submitter. Criteria: LabCorp Variant Classification Summary - May 2015. Collection method: clinical testing. Allele origin: germline.
Comment: Variant summary: CYP11B1 c.954G>A (p.Thr318Thr) alters a non-conserved nucleotide located close to a canonical splice site and therefore could affect mRNA splicing, leading to a significantly altered protein sequence. Several computational tools predict a significant impact on normal splicing: Four predict the variant abolishes a canonical 5' splicing donor site. However, these predictions have yet to be confirmed by functional studies. The variant was absent in 251312 control chromosomes (gnomAD). c.954G>A has been reported in the literature in multiple homozygous individuals affected with 11-beta-hydroxylase deficiency (example: Yildiz_2021). These data indicate that the variant is very likely to be associated with disease. The following publication has been ascertained in the context of this evaluation (PMID: 33830237). Three submitters have cited clinical-significance assessments for this variant to ClinVar after 2014. All submitters classified the variant as pathogenic/likely pathogenic. Based on the evidence outlined above, the variant was classified as pathogenic.

Baylor Genetics
Classification: Likely pathogenic for Deficiency of steroid 11-beta-monooxygenase. Last evaluated: 2023-08-12. Review status: criteria provided, single submitter. Criteria: ACMG Guidelines, 2015. Collection method: clinical testing. Allele origin: unknown.

Athena Diagnostics
Classification: Likely pathogenic. Last evaluated: 2016-12-01. Review status: criteria provided, single submitter. Criteria: Athena Diagnostics Criteria. Collection method: clinical testing. Allele origin: germline.

PreventionGenetics, part of Exact Sciences
Classification: Pathogenic for CYP11B1-related condition. Last evaluated: 2024-08-06. Review status: no assertion criteria provided. Collection method: clinical testing. Allele origin: germline. Not counted in ClinVar's aggregate classification.
Comment: The CYP11B1 c.954G>A variant is not predicted to result in an amino acid change (p.=). This nucleotide change occurs at the last base of exon 5 and is predicted to nearly abolish the nearby normal splice donor site signal (Alamut Visual Plus v1.6.1; SpliceAI, Jaganathan et al. 2019. PubMed ID: 30661751). This variant has been reported in the compound heterozygous or homozygous states in individuals with autosomal recessive congenital adrenal hyperplasia (CAH) due to 11-ß-hydroxylase deficiency (see for example, Bulsari et al. 2018. PubMed ID: 29858860; Dundar et al. 2019. PubMed ID: 31006099; Yildiz et al. 2021. PubMed ID: 33830237). This variant has not been reported in a large population database, indicating this variant is rare. This variant is interpreted as pathogenic.

Counsyl
Classification: Likely pathogenic for Deficiency of steroid 11-beta-monooxygenase. Last evaluated: 2017-05-30. Review status: no assertion criteria provided. Collection method: clinical testing. Allele origin: unknown. Not counted in ClinVar's aggregate classification.

OMIM
Classification: Pathogenic for ADRENAL HYPERPLASIA, CONGENITAL, DUE TO STEROID 11-BETA-HYDROXYLASE DEFICIENCY. Last evaluated: 2000-11-01. Review status: no assertion criteria provided. Collection method: literature only. Allele origin: germline. Not counted in ClinVar's aggregate classification.

Literature cited by the submitters: PubMed 26956189 (cited by 3 submitters); PubMed 29858860 (cited by Labcorp Genetics (formerly Invitae), Labcorp); PubMed 31006099 (cited by Labcorp Genetics (formerly Invitae), Labcorp); PubMed 17576681 (cited by Labcorp Genetics (formerly Invitae), Labcorp); PubMed 9536098 (cited by Labcorp Genetics (formerly Invitae), Labcorp); PubMed 33830237 (cited by Women's Health and Genetics/Laboratory Corporation of America, LabCorp); PubMed 8964882 (cited by Athena Diagnostics and Counsyl); PubMed 11095433 (cited by OMIM).

NM_000497.4(CYP11B1):c.954G>A (p.Thr318=)

Genes: CYP11B1 (cytochrome P450 family 11 subfamily B member 1; minus strand), LOC106799833 (CYP11B1 recombination region; plus strand). Cytogenetic location: 8q24.3.
Variant type: single nucleotide variant.
Coding change: c.954G>A on transcript NM_000497.4 (MANE Select); coding-DNA position 954, G replaced by A.
Protein change: p.Thr318=; no amino-acid change (threonine 318 retained).
Molecular consequence: synonymous variant.
Genome position (GRCh38, 1-based): chr8:142,876,241, C>T on the plus strand (G>A on the coding strand, the complement: CYP11B1 is on the minus strand). VCF-style: chr8-142876241-C-T. GRCh37 (hg19) VCF-style: chr8-143957657-C-T.
Other names: 954G-A; c.954G>A, p.Thr318= (NM_001026213.1).
Identifiers: ClinVar variation 447228 (VCV000447228.15), dbSNP rs753774484, ClinGen allele CA463327589.